The following is an entry in ClinVar:

ClinVar aggregate classification (germline): Uncertain significance (1 of 4 stars; one submission).

Conditions:
KARS1-related disorder. Also called: KARS1-related disorders.

gnomAD v4.1: 2 of 1,614,076 alleles (0.00012%); highest among the groups gnomAD compares: Non-Finnish European, 0.000085%; no homozygotes.

Submission:

PreventionGenetics, part of Exact Sciences
Classification: Uncertain significance for KARS1-related condition. Last evaluated: 2025-12-18. Review status: criteria provided, single submitter. Criteria: ACMG Guidelines, 2015. Collection method: clinical testing. Allele origin: germline.
Comment: The KARS1 c.1663A>G variant is predicted to result in the amino acid substitution p.Met555Val. To our knowledge, this variant has not been reported in the literature or in a large population database (gnomAD), indicating this variant is rare. At this time, the clinical significance of this variant is uncertain due to the absence of conclusive functional and genetic evidence.

NM_005548.3(KARS1):c.1579A>G (p.Met527Val)

Gene: KARS1 (lysyl-tRNA synthetase 1; minus strand). Cytogenetic location: 16q23.1.
Variant type: single nucleotide variant.
Coding change: c.1579A>G on transcript NM_005548.3 (MANE Select); coding-DNA position 1579, A replaced by G.
Protein change: p.Met527Val; replaces methionine 527 with valine.
Molecular consequence: missense variant.
Genome position (GRCh38, 1-based): chr16:75,628,685, T>C on the plus strand (A>G on the coding strand, the complement: KARS1 is on the minus strand). VCF-style: chr16-75628685-T-C. GRCh37 (hg19) VCF-style: chr16-75662583-T-C.
Other names: c.1663A>G, p.Met555Val (NM_001130089.2); c.1111A>G, p.Met371Val (NM_001378148.1); short protein forms M371V, M527V, M555V.
Identifiers: ClinVar variation 4983293 (VCV004983293.1).
Genomic context (GRCh38, chr16:75,628,685, plus strand): 5'-AGCCAGCTGTGGGGGGCAGCCCATATTCCAGGGCAGTACAGAAGTTTTCATCTATGAACA[T>C]GGCCTCATCATCACCTGCAGCCTTGGCCTAGAAGAGGAAAGAGAACCAAAAGGTGACCTT-3'
Protein context (NP_005539.1, residues 517-537): KAKAAGDDEA[Met527Val]FIDENFCTAL